The following is an entry in ClinVar:

NM_052989.3(IFT122):c.3586C>T (p.Arg1196Cys)

Gene: IFT122 (intraflagellar transport 122; plus strand). Cytogenetic location: 3q22.1.
Variant type: single nucleotide variant.
Coding change: c.3586C>T on transcript NM_052989.3 (MANE Select); coding-DNA position 3586, C replaced by T.
Protein change: p.Arg1196Cys; replaces arginine 1196 with cysteine.
Molecular consequence: missense variant.
Genome position (GRCh38, 1-based): chr3:129,519,682, C>T. VCF-style: chr3-129519682-C-T. GRCh37 (hg19) VCF-style: chr3-129238525-C-T.
Other names: c.3565C>T, p.Arg1189Cys (NM_001280541.2); c.3136C>T, p.Arg1046Cys (NM_001280545.2); c.2959C>T, p.Arg987Cys (NM_001280546.2); c.3409C>T, p.Arg1137Cys (NM_018262.4); c.3739C>T, p.Arg1247Cys (NM_052985.4); c.3256C>T, p.Arg1086Cys (NM_052990.3); c.3739C>T (NM_052985.2); short protein forms R1189C, R1086C, R1046C, R1137C, R1196C, R1247C, R987C.
Identifiers: ClinVar variation 1353527 (VCV001353527.10), dbSNP rs201590142, ClinGen allele CA2606969.
Genomic context (GRCh38, chr3:129,519,682, plus strand): 5'-ATGAGCCGCCGGGATGTCCTCATCAAGCGATGGCCCCCACCCCTGAGGTGGCAATACTTC[C>T]GCTCACTGCTGCCTGACGCCTCCATTACCATGTGCCCCTCCTGCTTCCAGGTAGGTGGCC-3'
Protein context (NP_443715.1, residues 1186-1206): WPPPLRWQYF[Arg1196Cys]SLLPDASITM

ClinVar aggregate classification (germline): Conflicting classifications of pathogenicity. Review status: criteria provided, conflicting classifications (1 of 4 stars). 3 submissions from 3 submitters: Uncertain significance (2); Likely benign (1). Last evaluated 2026-01-02.

Conditions:
Inborn genetic diseases. Identifiers: MedGen C0950123, MeSH D030342.
Cranioectodermal dysplasia 1 (CED1). Also called: LEVIN SYNDROME I. Identifiers: Orphanet 1515, MedGen C0432235, MONDO:0021093, OMIM 218330.

gnomAD v4.1: 149 of 1,613,790 alleles (0.0092%); highest among the groups gnomAD compares: South Asian, 0.088%; 1 homozygote.

Submissions (3):

Labcorp Genetics (formerly Invitae), Labcorp
Classification: Uncertain significance for Cranioectodermal dysplasia 1. Last evaluated: 2026-01-02. Review status: criteria provided, single submitter. Criteria: Invitae Variant Classification Sherloc (09022015). Collection method: clinical testing. Allele origin: germline.
Comment: This sequence change replaces arginine, which is basic and polar, with cysteine, which is neutral and slightly polar, at codon 1247 of the IFT122 protein (p.Arg1247Cys). This variant is present in population databases (rs201590142, gnomAD 0.09%). This variant has not been reported in the literature in individuals affected with IFT122-related conditions. ClinVar contains an entry for this variant (Variation ID: 1353527). Invitae Evidence Modeling of protein sequence and biophysical properties (such as structural, functional, and spatial information, amino acid conservation, physicochemical variation, residue mobility, and thermodynamic stability) indicates that this missense variant is not expected to disrupt IFT122 protein function with a negative predictive value of 80%. In summary, the available evidence is currently insufficient to determine the role of this variant in disease. Therefore, it has been classified as a Variant of Uncertain Significance.

Ambry Genetics
Classification: Uncertain significance for Inborn genetic diseases. Last evaluated: 2025-05-18. Review status: criteria provided, single submitter. Criteria: Ambry Variant Classification Scheme 2023. Collection method: clinical testing. Allele origin: germline.

Fulgent Genetics
Classification: Likely benign for Cranioectodermal dysplasia 1. Last evaluated: 2024-03-14. Review status: criteria provided, single submitter. Criteria: ACMG Guidelines, 2015. Collection method: clinical testing. Allele origin: germline.